The following is an entry in ClinVar:

ClinVar aggregate classification (germline): Likely benign. Review status: criteria provided, multiple submitters, no conflicts (2 of 4 stars). 3 submissions from 3 submitters: Likely benign (3). Last evaluated 2026-03-27.

Conditions:
SNRNP200-related disorder. Also called: SNRNP200-related condition.

Allele frequency attached by ClinVar (database versions not stated): ExAC 0.00001; gnomAD 0.00003 and 0.00009; gnomAD exomes 0.00003 and 0.00004; TOPMed 0.00015.
gnomAD v4.1: 73 of 1,613,966 alleles (0.0045%); highest among the groups gnomAD compares: Middle Eastern, 0.049%; no homozygotes.

Submissions (3):

PreventionGenetics, part of Exact Sciences
Classification: Likely benign for SNRNP200-related condition. Last evaluated: 2026-03-27. Review status: criteria provided, single submitter. Criteria: ACMG Guidelines, 2015. Collection method: clinical testing. Allele origin: germline.
Comment: This variant is classified as likely benign based on ACMG/AMP sequence variant interpretation guidelines (Richards et al. 2015 PMID: 25741868, with internal and published modifications).

Labcorp Genetics (formerly Invitae), Labcorp
Classification: Likely benign. Last evaluated: 2025-10-26. Review status: criteria provided, single submitter. Criteria: Invitae Variant Classification Sherloc (09022015). Collection method: clinical testing. Allele origin: germline.

Blueprint Genetics
Classification: Likely benign. Last evaluated: 2024-11-25. Review status: criteria provided, single submitter. Criteria: ACMG Guidelines, 2015. Collection method: clinical testing. Allele origin: germline.

NM_014014.5(SNRNP200):c.6267+7G>A

Gene: SNRNP200 (small nuclear ribonucleoprotein U5 subunit 200; minus strand). Cytogenetic location: 2q11.2.
Variant type: single nucleotide variant.
Coding change: c.6267+7G>A on transcript NM_014014.5 (MANE Select); 7 bases into the intron after coding-DNA position 6267, G replaced by A.
Molecular consequence: intron variant.
Genome position (GRCh38, 1-based): chr2:96,275,250, C>T on the plus strand (G>A on the coding strand, the complement: SNRNP200 is on the minus strand). VCF-style: chr2-96275250-C-T. GRCh37 (hg19) VCF-style: chr2-96940988-C-T.
Other names: c.6267+7G>A (NM_014014.4).
Identifiers: ClinVar variation 1143983 (VCV001143983.11), dbSNP rs748455344, ClinGen allele CA1777749.